The following continues an entry in ClinVar:

NM_007254.4(PNKP):c.1029+2T>C

Gene: PNKP. ClinVar aggregate classification (germline): Conflicting classifications of pathogenicity. Pathogenic (16); Likely pathogenic (11); Uncertain significance (3).

Submissions 11 to 22 of 39:

Ambry Genetics
Classification: Pathogenic for Inborn genetic diseases. Last evaluated: 2025-06-07. Review status: criteria provided, single submitter. Criteria: Ambry Variant Classification Scheme 2023. Collection method: clinical testing. Allele origin: germline.
Comment: The c.1029+2T>C intronic variant results from a T to C substitution two nucleotides after exon 11 (coding exon 10) of the PNKP gene. Alterations that disrupt the canonical splice site are expected to result in aberrant splicing. A resulting transcript is predicted to be in-frame and is not expected to trigger nonsense-mediated mRNAdecay. However, the region predicted to be impacted is critical for protein function (Ambry internal data). Based on data from gnomAD, the C allele has an overall frequency of 0.106% (190/178830) total alleles studied. The highest observed frequency was 0.208% (147/70858) of European (non-Finnish) alleles. This variant has been identified in conjunction with other PNKP variants in individuals with features consistent with PNKP-related neurological disorder and segregated with disease in at least one family; in at least one instance, the variants were identified in trans (Freitas, 2021; Rudenskaya, 2019; Neuser, 2022). This nucleotide position is highly conserved in available vertebrate species. RNA studies have demonstrated that this alteration results in abnormal splicing in the set of samples tested (Oddsson, 2023; Wai, 2020; Neuser, 2022). In silico splice site analysis predicts that this alteration will weaken the native splice donor site. Based on the available evidence, this alteration is classified as pathogenic.

Broad Center for Mendelian Genomics, Broad Institute of MIT and Harvard
Classification: Likely pathogenic for Microcephaly, seizures, and developmental delay. Last evaluated: 2025-06-05. Review status: criteria provided, single submitter. Criteria: ACMG Guidelines, 2015. Collection method: curation. Allele origin: germline. Inheritance: Autosomal recessive inheritance.
Comment: The c.1029+2T>C variant in PNKP has been reported in the compound heterozygous state in 4 individuals with microcephaly, seizures, and developmental delay and segregated with disease in 2 affected individuals from 2 families (Rudenskaya 2019 PMID: 31061747; Freitas 2021 PMID: 33654647; Neuser 2022 PMID: 34697416). It has also been identified in 0.2% (2099/924436) of European (non-Finnish) chromosomes by gnomAD. This variant has also been reported in ClinVar (Variation ID 206401). This variant occurs within the canonical splice site(+/- 1,2) and is predicted to cause altered splicing leading to an abnormal or absent protein. Loss of function of the PNKP gene is an established disease mechanism in autosomal recessive microcephaly, seizures, and developmental delay. RNAseq showed exon 11 skipping, which is in-frame and is predicted to escape nonsense mediated decay (NMD) (Neuser 2021 PMID: 34697416; Wai 2020 PMID: 32123317). In summary, although additional studies are required to fully establish its clinical significance, this variant meets criteria to be classified as likely pathogenic for autosomal recessive microcephaly, seizures, and developmental delay. ACMG/AMP Criteria applied: PM3_Strong, PVS1_Moderate, PP1.

Women's Health and Genetics/Laboratory Corporation of America, LabCorp
Classification: Pathogenic for Ataxia - oculomotor apraxia type 4. Last evaluated: 2025-03-13. Review status: criteria provided, single submitter. Criteria: LabCorp Variant Classification Summary - May 2015. Collection method: clinical testing. Allele origin: germline.
Comment: Variant summary: PNKP c.1029+2T>C is located in a canonical splice-site and is predicted to affect mRNA splicing resulting in a significantly altered protein due to either exon skipping, shortening, or inclusion of intronic material. Variants that disrupt the consensus splice site are a relatively common cause of aberrant splicing and loss of PNKP function. Several computational tools predict a significant impact on normal splicing: Four predict the variant abolishes a 5' splicing donor site. Two publications report experimental evidence that this variant affects mRNA splicing (Wai_2020, Oddsson_2023). The variant allele was found at a frequency of 0.0011 in 149072 control chromosomes. This frequency is not significantly higher than estimated for a pathogenic variant in PNKP causing Ataxia - oculomotor apraxia type 4 (0.0011 vs 0.0011), allowing no conclusion about variant significance. c.1029+2T>C has been reported in the literature in individuals affected with PNKP-related disorders (Coll_2017, Lindy_2018, Freitas_2021). These data indicate that the variant is likely to be associated with disease. The following publications have been ascertained in the context of this evaluation (PMID: 29261713, 33654647, 29655203, 37301908, 32123317). ClinVar contains an entry for this variant (Variation ID: 206401). Based on the evidence outlined above, the variant was classified as pathogenic.

Laboratory of Genetics, Children's Clinical University Hospital Latvia
Classification: Pathogenic. Last evaluated: 2025-02-16. Review status: criteria provided, single submitter. Criteria: ACMG Guidelines, 2015. Collection method: clinical testing. Allele origin: germline. Affected: yes.

Blueprint Genetics
Classification: Uncertain significance. Last evaluated: 2024-11-08. Review status: criteria provided, single submitter. Criteria: ACMG Guidelines, 2015. Collection method: clinical testing. Allele origin: germline.

Victorian Clinical Genetics Services, Murdoch Childrens Research Institute
Classification: Pathogenic for Microcephaly, seizures, and developmental delay. Last evaluated: 2024-10-10. Review status: criteria provided, single submitter. Criteria: ACMG Guidelines, 2015. Collection method: clinical testing. Allele origin: germline. Inheritance: Autosomal recessive inheritance.
Comment: Based on the classification scheme VCGS_Germline_v1.3.5, this variant is classified as Pathogenic. Following criteria are met: 0102 - Loss of function is a known mechanism of disease in this gene and is associated with ataxia-oculomotor apraxia 4 (MIM#616267), and microcephaly, seizures, and developmental delay (MIM#613402). (I) 0106 - This gene is associated with autosomal recessive disease. (I) 0211 - Canonical splice site variant without proven consequence on splicing (no functional evidence available). It has been suggested that this variant cases exon 11 skipping however, the relevant data was not shown (PMID: 32123317). (SP) 0251 - This variant is heterozygous. (I) 0304 - Variant is present in gnomAD (v2) <0.01 for a recessive condition (190 heterozygotes, 0 homozygotes). (SP) 0311 - Multiple alternative nucleotide changes at the same canonical splice site are present in gnomAD (v4) (highest allele count: 2 heterozygotes, 0 homozygotes. (I) 0505 - Abnormal splicing is predicted by in silico tools and affected nucleotide is highly conserved. (SP) 0704 - Another canonical splice site variant comparable to the one identified in this case has limited previous evidence for pathogenicity. A different variant in the same splice site (c.1029+1G>A) has been reported as pathogenic (ClinVar). (SP) 0801 - This variant has strong previous evidence of pathogenicity in unrelated individuals. The variant has been classified as pathogenic or likely pathogenic by multiple clinical laboratories in ClinVar and has been observed as compound heterozygous in six individuals from four families with ataxia-culomotor apraxia (PMIDs: 31061747, 33654647, 34697416). It has also been classified as a VUS or likely benign in ClinVar, but these submissions do not contain significant justification for the classification and are outweighed by the pathogenic and likely pathogenic submissions. (I) Legend: (SP) - Supporting pathogenic, (I) - Information, (SB) - Supporting benign

Genetics and Molecular Pathology, SA Pathology
Classification: Likely pathogenic for Microcephaly, seizures, and developmental delay; Ataxia - oculomotor apraxia type 4. Last evaluated: 2023-02-13. Review status: criteria provided, single submitter. Criteria: ACMG Guidelines, 2015. Collection method: clinical testing. Allele origin: germline. Affected: yes.

Clinical Genetics Laboratory, Skane University Hospital Lund
Classification: Pathogenic. Last evaluated: 2022-12-27. Review status: criteria provided, single submitter. Criteria: ACMG Guidelines, 2015. Collection method: clinical testing. Allele origin: germline. Affected: yes.

Department of Pathology and Laboratory Medicine, Sinai Health System
Classification: Pathogenic for Microcephaly, seizures, and developmental delay. Last evaluated: 2022-10-10. Review status: criteria provided, single submitter. Criteria: ACMG Guidelines, 2015. Collection method: research. Allele origin: germline.

Revvity Omics, Revvity
Classification: Likely pathogenic. Last evaluated: 2022-06-30. Review status: criteria provided, single submitter. Criteria: ACMG Guidelines, 2015. Collection method: clinical testing. Allele origin: germline.

Dasa
Classification: Likely pathogenic for Microcephaly, seizures, and developmental delay. Last evaluated: 2022-02-05. Review status: criteria provided, single submitter. Criteria: ACMG Guidelines, 2015. Collection method: clinical testing. Allele origin: germline. Affected: yes. Observed: 1 variant allele.
Comment: The c.1029+2T>C variant is located in a canonical splice-site, and it is not predicted the protein reading frame alteration, however, occur in a critical region and the variant disrupts <10% of protein - PVS1_moderate. This sequence change has been observed in affected individual(s) and ClinVar contains an entry for this variant (Clinvar ID: 206401; PMID: 33654647, 31061747) - PS4_moderate. The variant is present at low allele frequencies population databases (rs199919568 – gnomAD 0.01089%; ABraOM 0.001281 frequency) - PM2_supporting. The c.1029+2T>C was detected in trans with a pathogenic variant (PMID: 31061747; 33654647) - PM3. The variant co-segregated with disease in multiple affected family members (PMID: 31061747) - PP1. In summary, the currently available evidence indicates that the variant is likely pathogenic.

Baylor Genetics
Classification: Pathogenic for Ataxia - oculomotor apraxia type 4. Last evaluated: 2020-10-02. Review status: criteria provided, single submitter. Criteria: ACMG Guidelines, 2015. Collection method: clinical testing. Allele origin: unknown. Affected: yes.
Comment: This variant was determined to be pathogenic according to ACMG Guidelines, 2015 [PMID:25741868].